The following is an entry in ClinVar:

NM_012199.5(AGO1):c.2088C>T (p.Tyr696=)

Gene: AGO1 (argonaute RISC component 1; plus strand). Cytogenetic location: 1p34.3.
Variant type: single nucleotide variant.
Coding change: c.2088C>T on transcript NM_012199.5 (MANE Select); coding-DNA position 2088, C replaced by T.
Protein change: p.Tyr696=; no amino-acid change (tyrosine 696 retained).
Molecular consequence: synonymous variant.
Genome position (GRCh38, 1-based): chr1:35,917,652, C>T. VCF-style: chr1-35917652-C-T. GRCh37 (hg19) VCF-style: chr1-36383253-C-T.
Other names: c.2088C>T, p.Tyr696= (NM_001317122.2); c.1863C>T, p.Tyr621= (NM_001317123.2).
Identifiers: ClinVar variation 731290 (VCV000731290.10), dbSNP rs7512720, ClinGen allele CA763360.

ClinVar aggregate classification (germline): Benign/Likely benign. Review status: criteria provided, multiple submitters, no conflicts (2 of 4 stars). 4 submissions from 4 submitters: Benign (2); Likely benign (1). 1 of the submissions does not count toward it. Last evaluated 2026-08-01.

Conditions:
AGO1-related disorder. Also called: AGO1-related condition.

Allele frequency attached by ClinVar (database versions not stated): gnomAD exomes 0.00025 and 0.00064; ExAC 0.00077; 1000 Genomes Project 30x 0.00219; gnomAD 0.00238 and 0.00251; 1000 Genomes Project 0.00240; TOPMed 0.00267; ESP Exome Variant Server 0.00338.
gnomAD v4.1: 748 of 1,613,916 alleles (0.046%); highest among the groups gnomAD compares: African/African-American, 0.85%; 3 homozygotes.

Submissions (4):

CeGaT Center for Human Genetics Tuebingen
Classification: Likely benign. Last evaluated: 2026-08-01. Review status: criteria provided, single submitter. Criteria: CeGaT Center For Human Genetics Tuebingen Variant Classification Criteria Version 2. Collection method: clinical testing. Allele origin: germline. Affected: yes. Observed: 2 variant alleles.
Comment: AGO1: BP4, BP7, BS1

Labcorp Genetics (formerly Invitae), Labcorp
Classification: Benign. Last evaluated: 2018-11-06. Review status: criteria provided, single submitter. Criteria: Invitae Variant Classification Sherloc (09022015). Collection method: clinical testing. Allele origin: germline.

Breakthrough Genomics
Classification: Benign. Review status: criteria provided, single submitter. Criteria: ACMG Guidelines, 2015. Collection method: not provided. Allele origin: germline. Inheritance: Unknown mechanism. Affected: yes.

PreventionGenetics, part of Exact Sciences
Classification: Likely benign for AGO1-related condition. Last evaluated: 2024-03-11. Review status: no assertion criteria provided. Collection method: clinical testing. Allele origin: germline. Not counted in ClinVar's aggregate classification.
Comment: This variant is classified as likely benign based on ACMG/AMP sequence variant interpretation guidelines (Richards et al. 2015 PMID: 25741868, with internal and published modifications).